The following is an entry in ClinVar:

ClinVar aggregate classification (germline): Uncertain significance. Review status: criteria provided, multiple submitters, no conflicts (2 of 4 stars). 2 submissions from 2 submitters: Uncertain significance (2). Last evaluated 2023-12-05.

Conditions:
BAP1-related tumor predisposition syndrome (TPDS1). Also called: Tumor susceptibility linked to germline BAP1 mutations; COMMON Syndrome; TUMOR PREDISPOSITION SYNDROME 1; BAP1 tumor predisposition syndrome. Identifiers: Orphanet 289539, MedGen C3280492, MONDO:0013692, OMIM 614327.

Submissions (2):

Baylor Genetics
Classification: Uncertain significance for BAP1-related tumor predisposition syndrome. Last evaluated: 2023-12-05. Review status: criteria provided, single submitter. Criteria: ACMG Guidelines, 2015. Collection method: clinical testing. Allele origin: unknown.

Labcorp Genetics (formerly Invitae), Labcorp
Classification: Uncertain significance for BAP1-related tumor predisposition syndrome. Last evaluated: 2020-03-12. Review status: criteria provided, single submitter. Criteria: Invitae Variant Classification Sherloc (09022015). Collection method: clinical testing. Allele origin: germline.
Comment: In summary, the available evidence is currently insufficient to determine the role of this variant in disease. Therefore, it has been classified as a Variant of Uncertain Significance. Algorithms developed to predict the effect of missense changes on protein structure and function are either unavailable or do not agree on the potential impact of this missense change (SIFT: "Deleterious"; PolyPhen-2: "Possibly Damaging"; Align-GVGD: "Class C0"). This variant has not been reported in the literature in individuals with BAP1-related conditions. This variant is not present in population databases (ExAC no frequency). This sequence change replaces glutamic acid with glutamine at codon 640 of the BAP1 protein (p.Glu640Gln). The glutamic acid residue is highly conserved and there is a small physicochemical difference between glutamic acid and glutamine.

NM_004656.4(BAP1):c.1918G>C (p.Glu640Gln)

Gene: BAP1 (BRCA1 associated deubiquitinase 1; minus strand). Cytogenetic location: 3p21.1.
Variant type: single nucleotide variant.
Coding change: c.1918G>C on transcript NM_004656.4 (MANE Select); coding-DNA position 1918, G replaced by C.
Protein change: p.Glu640Gln; replaces glutamic acid 640 with glutamine.
Molecular consequence: missense variant.
Genome position (GRCh38, 1-based): chr3:52,402,844, C>G on the plus strand (G>C on the coding strand, the complement: BAP1 is on the minus strand). VCF-style: chr3-52402844-C-G. GRCh37 (hg19) VCF-style: chr3-52436860-C-G.
Other names: short protein forms E640Q.
Identifiers: ClinVar variation 1035279 (VCV001035279.6), dbSNP rs1705010531, ClinGen allele CA353096797.